The following is an entry in ClinVar:

NM_000297.4(PKD2):c.1548_1548+2del

Gene: PKD2 (polycystin 2, transient receptor potential cation channel; plus strand). Cytogenetic location: 4q22.1.
Variant type: Deletion.
Coding change: c.1548_1548+2del on transcript NM_000297.4 (MANE Select); coding-DNA position 1548 through the canonical splice donor site of the intron after coding-DNA position 1548, 3 bases deleted (GGT; older notation c.1548_1548+2delGGT).
Molecular consequence: splice donor variant.
Genome position (GRCh38, 1-based): chr4:88,046,870-88,046,872, GGT deleted; deleting any 3 consecutive bases within chr4:88,046,868-88,046,872 gives the same sequence; the c. name uses the placement nearest the transcript's 3' end. VCF-style (leftmost placement, unchanged base first): chr4-88046867-TGTG-T. GRCh37 (hg19) VCF-style: chr4-88968019-TGTG-T.
Identifiers: ClinVar variation 3032179 (VCV003032179.2), dbSNP rs2475925813, ClinGen allele CA2740091308.
Genomic context (GRCh38, chr4:88,046,867, plus strand): 5'-TCGCATTCACAAACTACACTATTTCAGGAGTTTCTGGAATTGTCTGGATGTTGTGATCGT[TGTG>T]GTAGGTTTGAGAACAACACCAAATTTCCTATTCTATTCTACAAGCATGTTAACTAGAGTC-3'

ClinVar aggregate classification (germline): Likely pathogenic (0 of 4 stars; one submission).

Conditions:
PKD2-related disorder. Also called: PKD2-related condition.

Submission:

PreventionGenetics, part of Exact Sciences
Classification: Likely pathogenic for PKD2-related condition. Last evaluated: 2023-12-01. Review status: no assertion criteria provided. Collection method: clinical testing. Allele origin: germline.
Comment: The PKD2 c.1548_1548+2delGGT variant is predicted to result in a deletion affecting a canonical splice site. This variant is predicted to result in a premature termination codon (p.Leu517Cysfs*4) and/or totally disruption of the canonical splice donor site. To our knowledge, this variant has not been reported in the literature or in a large population database, indicating this variant is rare. Loss-of-function variants in PKD2 are expected to be pathogenic. This variant is interpreted as likely pathogenic.